The following is an entry in ClinVar:

NM_004656.4(BAP1):c.1116+1G>C

Gene: BAP1 (BRCA1 associated deubiquitinase 1; minus strand). Cytogenetic location: 3p21.1.
Variant type: single nucleotide variant.
Coding change: c.1116+1G>C on transcript NM_004656.4 (MANE Select); the canonical splice donor site of the intron after coding-DNA position 1116, G replaced by C.
Molecular consequence: splice donor variant.
Genome position (GRCh38, 1-based): chr3:52,405,109, C>G on the plus strand (G>C on the coding strand, the complement: BAP1 is on the minus strand). VCF-style: chr3-52405109-C-G. GRCh37 (hg19) VCF-style: chr3-52439125-C-G.
Other names: c.1062+1G>C (NM_001410772.1).
Identifiers: ClinVar variation 3818704 (VCV003818704.2).

ClinVar aggregate classification (germline): Pathogenic (1 of 4 stars; one submission).

Conditions:
Hereditary cancer-predisposing syndrome. Also called: Hereditary neoplastic syndrome; Neoplastic Syndromes, Hereditary; Tumor predisposition; Hereditary Cancer Syndrome. Identifiers: Orphanet 140162, MedGen C0027672, MeSH D009386, MONDO:0015356.

Submission:

Ambry Genetics
Classification: Pathogenic for Hereditary cancer-predisposing syndrome. Last evaluated: 2025-10-18. Review status: criteria provided, single submitter. Criteria: Ambry Variant Classification Scheme 2023. Collection method: clinical testing. Allele origin: germline.
Comment: The c.1116+1G>C intronic pathogenic mutation results from a G to C substitution one nucleotide after coding exon 11 of the BAP1 gene. This alteration was non-functional in a high throughput genome editing haploid cell survival assay (Waters AJ et al. Nat Genet, 2024 Jul;56:1434-1445). This variant is considered to be rare based on population cohorts in the Genome Aggregation Database (gnomAD). This nucleotide position is highly conserved in available vertebrate species. In silico splice site analysis predicts that this alteration will weaken the native splice donor site. RNA studies have demonstrated that this alteration results in abnormal splicing in the set of samples tested (Ambry internal data). Alterations that disrupt the canonical splice site are expected to cause aberrant splicing, resulting in an abnormal protein or a transcript that is subject to nonsense-mediated mRNA decay. As such, this alteration is classified as a disease-causing mutation.

Literature cited by the submitters: PubMed 38969833.